The following is an entry in ClinVar:

ClinVar aggregate classification (germline): Uncertain significance (1 of 4 stars; one submission).

Allele frequency attached by ClinVar (database versions not stated): gnomAD exomes below 0.00001.
gnomAD v4.1: 5 of 1,614,034 alleles (0.00031%); highest among the groups gnomAD compares: Non-Finnish European, 0.00042%; no homozygotes.

Submission:

Labcorp Genetics (formerly Invitae), Labcorp
Classification: Uncertain significance. Last evaluated: 2024-03-01. Review status: criteria provided, single submitter. Criteria: Invitae Variant Classification Sherloc (09022015). Collection method: clinical testing. Allele origin: germline.
Comment: This sequence change replaces arginine, which is basic and polar, with glutamine, which is neutral and polar, at codon 1750 of the CHD8 protein (p.Arg1750Gln). This variant is not present in population databases (gnomAD no frequency). This variant has not been reported in the literature in individuals affected with CHD8-related conditions. Advanced modeling of protein sequence and biophysical properties (such as structural, functional, and spatial information, amino acid conservation, physicochemical variation, residue mobility, and thermodynamic stability) performed at Invitae indicates that this missense variant is expected to disrupt CHD8 protein function with a positive predictive value of 80%. In summary, the available evidence is currently insufficient to determine the role of this variant in disease. Therefore, it has been classified as a Variant of Uncertain Significance.

NM_001170629.2(CHD8):c.5249G>A (p.Arg1750Gln)

Gene: CHD8 (chromodomain helicase DNA binding protein 8; minus strand). Cytogenetic location: 14q11.2.
Variant type: single nucleotide variant.
Coding change: c.5249G>A on transcript NM_001170629.2 (MANE Select); coding-DNA position 5249, G replaced by A.
Protein change: p.Arg1750Gln; replaces arginine 1750 with glutamine.
Molecular consequence: missense variant.
Genome position (GRCh38, 1-based): chr14:21,395,053, C>T on the plus strand (G>A on the coding strand, the complement: CHD8 is on the minus strand). VCF-style: chr14-21395053-C-T. GRCh37 (hg19) VCF-style: chr14-21863212-C-T.
Other names: c.4412G>A, p.Arg1471Gln (NM_020920.4); short protein forms R1471Q, R1750Q.
Identifiers: ClinVar variation 2998302 (VCV002998302.3), dbSNP rs780097030, ClinGen allele CA257594706.
Genomic context (GRCh38, chr14:21,395,053, plus strand): 5'-GCAGCCTCTATCTTCATTTGTTCTCTCTTGTAGCTGCGCTGATACGCTGTTACTAGACGC[C>T]GAAGCCTAGCTGTTAGGGCAGAGCCCGGAGGCCAGAATAAATGGCCTGGCTGTTGGGTCA-3'
Protein context (NP_001164100.1, residues 1740-1760): PPGSALTARL[Arg1750Gln]RLVTAYQRSY